The following is an entry in ClinVar:

NM_001005361.3(DNM2):c.2417C>T (p.Ala806Val)

Gene: DNM2 (dynamin 2; plus strand). Cytogenetic location: 19p13.2.
Variant type: single nucleotide variant.
Coding change: c.2417C>T on transcript NM_001005361.3 (MANE Select); coding-DNA position 2417, C replaced by T.
Protein change: p.Ala806Val; replaces alanine 806 with valine.
Molecular consequence: missense variant.
Genome position (GRCh38, 1-based): chr19:10,830,252, C>T. VCF-style: chr19-10830252-C-T. GRCh37 (hg19) VCF-style: chr19-10940928-C-T.
Other names: c.2417C>T, p.Ala806Val (NM_001005360.3, NM_001190716.2); c.2405C>T, p.Ala802Val (NM_001005362.3, NM_004945.4); short protein forms A806V, A802V.
Identifiers: ClinVar variation 950335 (VCV000950335.11), dbSNP rs138527500, ClinGen allele CA9201617.

ClinVar aggregate classification (germline): Uncertain significance. Review status: criteria provided, multiple submitters, no conflicts (2 of 4 stars). 3 submissions from 3 submitters: Uncertain significance (3). Last evaluated 2025-09-10.

Conditions:
Inborn genetic diseases. Identifiers: MedGen C0950123, MeSH D030342.
Charcot-Marie-Tooth disease dominant intermediate B (CMTDIB). Also called: CHARCOT-MARIE-TOOTH NEUROPATHY, DOMINANT INTERMEDIATE B; Charcot-Marie-Tooth disease dominant intermediate 1; CMT DI1; Charcot-Marie-Tooth disease dominant intermediate I. Identifiers: Orphanet 100044, Orphanet 228179, MedGen C1847902, MONDO:0011674, OMIM 606482.

Allele frequency attached by ClinVar (database versions not stated): ExAC 0.00001; gnomAD 0.00001; gnomAD exomes 0.00001 and 0.00003; TOPMed 0.00001; ESP Exome Variant Server 0.00008.

Submissions (3):

Ambry Genetics
Classification: Uncertain significance for Inborn genetic diseases. Last evaluated: 2025-09-10. Review status: criteria provided, single submitter. Criteria: Ambry Variant Classification Scheme 2023. Collection method: clinical testing. Allele origin: germline.

Labcorp Genetics (formerly Invitae), Labcorp
Classification: Uncertain significance for Charcot-Marie-Tooth disease dominant intermediate B. Last evaluated: 2024-08-28. Review status: criteria provided, single submitter. Criteria: Invitae Variant Classification Sherloc (09022015). Collection method: clinical testing. Allele origin: germline.
Comment: This sequence change replaces alanine, which is neutral and non-polar, with valine, which is neutral and non-polar, at codon 806 of the DNM2 protein (p.Ala806Val). This variant is present in population databases (rs138527500, gnomAD 0.003%). This variant has not been reported in the literature in individuals affected with DNM2-related conditions. ClinVar contains an entry for this variant (Variation ID: 950335). Invitae Evidence Modeling of protein sequence and biophysical properties (such as structural, functional, and spatial information, amino acid conservation, physicochemical variation, residue mobility, and thermodynamic stability) has been performed for this missense variant. However, the output from this modeling did not meet the statistical confidence thresholds required to predict the impact of this variant on DNM2 protein function. In summary, the available evidence is currently insufficient to determine the role of this variant in disease. Therefore, it has been classified as a Variant of Uncertain Significance.

Athena Diagnostics
Classification: Uncertain significance. Last evaluated: 2024-02-12. Review status: criteria provided, single submitter. Criteria: Athena Diagnostics Criteria. Collection method: clinical testing. Allele origin: unknown.
Comment: Available data are insufficient to determine the clinical significance of the variant at this time. The frequency of this variant in the general population is uninformative in assessment of its pathogenicity. Computational tools disagree on the variant's effect on normal protein function.